The following is an entry in ClinVar:

NM_000937.5(POLR2A):c.2231T>G (p.Ile744Ser)

Gene: POLR2A (RNA polymerase II subunit A; plus strand). Cytogenetic location: 17p13.1.
Variant type: single nucleotide variant.
Coding change: c.2231T>G on transcript NM_000937.5 (MANE Select); coding-DNA position 2231, T replaced by G.
Protein change: p.Ile744Ser; replaces isoleucine 744 with serine.
Molecular consequence: missense variant.
Genome position (GRCh38, 1-based): chr17:7,501,611, T>G. VCF-style: chr17-7501611-T-G. GRCh37 (hg19) VCF-style: chr17-7404930-T-G.
Other names: short protein forms I744S.
Identifiers: ClinVar variation 4879433 (VCV004879433.1).

ClinVar aggregate classification (germline): Uncertain significance (1 of 4 stars; one submission).

Conditions:
Neurodevelopmental disorder with hypotonia and variable intellectual and behavioral abnormalities. Identifiers: MedGen C5231423, MONDO:0032829, OMIM 618603.

Submission:

Institute of Human Genetics, University of Leipzig Medical Center
Classification: Uncertain significance for Neurodevelopmental disorder with hypotonia and variable intellectual and behavioral abnormalities. Last evaluated: 2026-06-17. Review status: criteria provided, single submitter. Criteria: ACMG Guidelines, 2015. Collection method: clinical testing. Allele origin: unknown. Inheritance: Autosomal dominant inheritance. Affected: yes.
Comment: Criteria applied: PM2,PP2,PP3